The following is an entry in ClinVar:

NM_001267550.2(TTN):c.32071G>A (p.Ala10691Thr)

Gene: TTN (titin; minus strand). Cytogenetic location: 2q31.2.
Variant type: single nucleotide variant.
Coding change: c.32071G>A on transcript NM_001267550.2 (MANE Select); coding-DNA position 32071, G replaced by A.
Protein change: p.Ala10691Thr; replaces alanine 10691 with threonine.
Molecular consequence: missense variant. On other transcripts: intron variant (3).
Genome position (GRCh38, 1-based): chr2:178,689,077, C>T on the plus strand (G>A on the coding strand, the complement: TTN is on the minus strand). VCF-style: chr2-178689077-C-T. GRCh37 (hg19) VCF-style: chr2-179553804-C-T.
Other names: c.13283-46760G>A (NM_003319.4); c.13859-46760G>A (NM_133437.4); c.13658-46760G>A (NM_133432.3); c.31120G>A, p.Ala10374Thr (NM_001256850.1); c.28339G>A, p.Ala9447Thr (NM_133378.4); short protein forms A10691T, A9447T, A10374T.
Identifiers: ClinVar variation 178228 (VCV000178228.27), dbSNP rs371452173, ClinGen allele CA181845.

ClinVar aggregate classification (germline): Conflicting classifications of pathogenicity. Review status: criteria provided, conflicting classifications (1 of 4 stars). 9 submissions from 9 submitters: Uncertain significance (3); Likely benign (6). Last evaluated 2026-09-09.

Conditions:
TTN-related disorder. Also called: TTN-related condition; TTN-related disease; TTN-related disorders.
Dilated cardiomyopathy 1G (CMD1G). Identifiers: Orphanet 154, MedGen C1858763, MONDO:0011400, OMIM 604145.
Autosomal recessive limb-girdle muscular dystrophy type 2J (LGMDR10). Also called: Limb-girdle muscular dystrophy, type 2J; MUSCULAR DYSTROPHY, LIMB-GIRDLE, AUTOSOMAL RECESSIVE 10. Identifiers: Orphanet 140922, MedGen C1837342, MONDO:0012127, OMIM 608807.

Allele frequency attached by ClinVar (database versions not stated): gnomAD exomes 0.00003 and 0.00012; ExAC 0.00016; ESP Exome Variant Server 0.00025; gnomAD 0.00026 and 0.00030.
gnomAD v4.1: 85 of 1,603,502 alleles (0.0053%); highest among the groups gnomAD compares: African/African-American, 0.066%; no homozygotes.

Submissions (9):

PreventionGenetics, part of Exact Sciences
Classification: Uncertain significance for TTN-related condition. Last evaluated: 2026-09-09. Review status: criteria provided, single submitter. Criteria: ACMG Guidelines, 2015. Collection method: clinical testing. Allele origin: germline.
Comment: The TTN c.32071G>A variant is predicted to result in the amino acid substitution p.Ala10691Thr. To our knowledge, this variant has not been reported in the literature. This variant is reported in 0.087% of alleles in individuals of East Asian descent in gnomAD. Although we suspect that this variant may be benign, at this time, the clinical significance of this variant is uncertain due to the absence of conclusive functional and genetic evidence.

Women's Health and Genetics/Laboratory Corporation of America, LabCorp
Classification: Likely benign. Last evaluated: 2026-06-17. Review status: criteria provided, single submitter. Criteria: LabCorp Variant Classification Summary - May 2015. Collection method: clinical testing. Allele origin: germline.
Comment: Variant summary: TTN c.28339G>A (p.Ala9447Thr) results in a non-conservative amino acid change in the encoded protein sequence. Algorithms developed to predict the effect of missense changes on protein structure and function are either unavailable or do not agree on the potential impact of this missense change. The variant allele was found at a frequency of 0.00012 in 248638 control chromosomes, predominantly at a frequency of 0.00073 within the East Asian subpopulation in the gnomAD database. The observed variant frequency within East Asian control individuals in the gnomAD database exceeds the estimated maximal expected allele frequency for disease-causing variants in TTN. To our knowledge, no occurrence of c.28339G>A in individuals affected with TTN-related conditions and no experimental evidence demonstrating its impact on protein function have been reported. ClinVar contains an entry for this variant (Variation ID: 178228). Based on the evidence outlined above, the variant was classified as likely benign.

Labcorp Genetics (formerly Invitae), Labcorp
Classification: Likely benign for Dilated cardiomyopathy 1G; Autosomal recessive limb-girdle muscular dystrophy type 2J. Last evaluated: 2025-12-08. Review status: criteria provided, single submitter. Criteria: Invitae Variant Classification Sherloc (09022015). Collection method: clinical testing. Allele origin: germline.

Molecular Diagnostic Laboratory for Inherited Cardiovascular Disease, Montreal Heart Institute
Classification: Likely benign. Last evaluated: 2025-04-09. Review status: criteria provided, single submitter. Criteria: ACMG Guidelines, 2015. Collection method: clinical testing. Allele origin: germline. Affected: no.
Comment: BP1;BP6

Revvity Omics, Revvity
Classification: Uncertain significance. Last evaluated: 2022-03-23. Review status: criteria provided, single submitter. Criteria: ACMG Guidelines, 2015. Collection method: clinical testing. Allele origin: germline.

Blueprint Genetics
Classification: Likely benign. Last evaluated: 2021-09-22. Review status: criteria provided, single submitter. Criteria: ACMG Guidelines, 2015. Collection method: clinical testing. Allele origin: germline.

GeneDx
Classification: Likely benign. Last evaluated: 2018-04-23. Review status: criteria provided, single submitter. Criteria: GeneDx Variant Classification (06012015). Collection method: clinical testing. Allele origin: germline. Affected: yes.
Comment: This variant is considered likely benign or benign based on one or more of the following criteria: it is a conservative change, it occurs at a poorly conserved position in the protein, it is predicted to be benign by multiple in silico algorithms, and/or has population frequency not consistent with disease.

Eurofins Ntd Llc (ga)
Classification: Uncertain significance. Last evaluated: 2018-02-26. Review status: criteria provided, single submitter. Criteria: EGL ClinVar v180209 classification definitions. Collection method: clinical testing. Allele origin: germline. Observed: 4 variant alleles, 4 heterozygotes.

Laboratory for Molecular Medicine, Mass General Brigham Personalized Medicine
Classification: Likely benign. Last evaluated: 2014-07-14. Review status: criteria provided, single submitter. Criteria: LMM Criteria. Collection method: clinical testing. Allele origin: germline. Observed: 1 variant allele.
Comment: Ala9447Thr in exon 122 of TTN: This variant is not expected to have clinical sig nificance due to a lack of conservation across species, including mammals. Of no te, multiple mammals (marmoset, pig, black fly fox, megabat, and elephant) have a threonine (Thr) at this position despite high nearby amino acid conservation. It has also been identified in 3/3716 African American chromosomes by the NHLBI Exome Sequencing Project (dbSNP rs371452173).